The following is an entry in ClinVar:

ClinVar aggregate classification (germline): Uncertain significance (1 of 4 stars; one submission).

gnomAD v4.1: 2 of 1,599,810 alleles (0.00013%); highest among the groups gnomAD compares: Non-Finnish European, 0.00017%; no homozygotes.

Submission:

GeneDx
Classification: Uncertain significance. Last evaluated: 2025-05-13. Review status: criteria provided, single submitter. Criteria: GeneDx Variant Classification Process June 2021. Collection method: clinical testing. Allele origin: germline. Affected: yes.
Comment: Not observed at significant frequency in large population cohorts (gnomAD); In silico analysis supports that this missense variant has a deleterious effect on protein structure/function; Has not been previously published as pathogenic or benign to our knowledge

NM_001013838.3(CARMIL2):c.1280G>A (p.Gly427Asp)

Gene: CARMIL2 (capping protein regulator and myosin 1 linker 2; plus strand). Cytogenetic location: 16q22.1.
Variant type: single nucleotide variant.
Coding change: c.1280G>A on transcript NM_001013838.3 (MANE Select); coding-DNA position 1280, G replaced by A.
Protein change: p.Gly427Asp; replaces glycine 427 with aspartic acid.
Molecular consequence: missense variant.
Genome position (GRCh38, 1-based): chr16:67,648,260, G>A. VCF-style: chr16-67648260-G-A. GRCh37 (hg19) VCF-style: chr16-67682163-G-A.
Other names: c.1172G>A, p.Gly391Asp (NM_001317026.3, NM_001438244.1, NM_001438835.1); short protein forms G391D, G427D.
Identifiers: ClinVar variation 4529755 (VCV004529755.1).